The following is an entry in ClinVar:

ClinVar aggregate classification (germline): Uncertain significance. Review status: criteria provided, multiple submitters, no conflicts (2 of 4 stars). 2 submissions from 2 submitters: Uncertain significance (2). Last evaluated 2023-07-06.

Conditions:
Inborn genetic diseases. Identifiers: MedGen C0950123, MeSH D030342.

Submissions (2):

GeneDx
Classification: Uncertain significance. Last evaluated: 2023-07-06. Review status: criteria provided, single submitter. Criteria: GeneDx Variant Classification Process June 2021. Collection method: clinical testing. Allele origin: germline. Affected: yes.
Comment: Not observed at significant frequency in large population cohorts (gnomAD); In silico analysis supports that this missense variant has a deleterious effect on protein structure/function; Has not been previously published as pathogenic or benign to our knowledge

Ambry Genetics
Classification: Uncertain significance for Inborn genetic diseases. Last evaluated: 2019-11-01. Review status: criteria provided, single submitter. Criteria: Ambry Variant Classification Scheme 2023. Collection method: clinical testing. Allele origin: germline.
Comment: The p.P90A variant (also known as c.268C>G), located in coding exon 1 of the NLGN4X gene, results from a C to G substitution at nucleotide position 268. The proline at codon 90 is replaced by alanine, an amino acid with highly similar properties. This amino acid position is highly conserved in available vertebrate species. In addition, this alteration is predicted to be tolerated by in silico analysis. Since supporting evidence is limited at this time, the clinical significance of this alteration remains unclear.

NM_181332.3(NLGN4X):c.268C>G (p.Pro90Ala)

Gene: NLGN4X (neuroligin 4 X-linked; minus strand). Cytogenetic location: Xp22.31.
Variant type: single nucleotide variant.
Coding change: c.268C>G on transcript NM_181332.3 (MANE Select); coding-DNA position 268, C replaced by G.
Protein change: p.Pro90Ala; replaces proline 90 with alanine.
Molecular consequence: missense variant.
Genome position (GRCh38, 1-based): chrX:6,151,199, G>C on the plus strand (C>G on the coding strand, the complement: NLGN4X is on the minus strand). VCF-style: chrX-6151199-G-C. GRCh37 (hg19) VCF-style: chrX-6069240-G-C.
Other names: c.268C>G, p.Pro90Ala (NM_001282145.2, NM_001282146.2, NM_020742.4); short protein forms P90A.
Identifiers: ClinVar variation 1794779 (VCV001794779.3), dbSNP rs1473002369, ClinGen allele CA412015110.
Genomic context (GRCh38, chrX:6,151,199, plus strand): 5'-ACACAGCAGCAAACTGAGTAGTATTTCGGATGCCAGTCCAGGAGGACGGGGGTTCTGGGG[G>C]CTGAAACCGCCTCTCTCCAGTGGGGGGTGAGGCATAGGGGACCCCTAAGTACTGCTCCAC-3'
Protein context (NP_851849.1, residues 80-100): SPPTGERRFQ[Pro90Ala]PEPPSSWTGI